The following is an entry in ClinVar:

ClinVar aggregate classification (germline): Uncertain significance (1 of 4 stars; one submission).

Submission:

GeneDx
Classification: Uncertain significance. Last evaluated: 2024-10-07. Review status: criteria provided, single submitter. Criteria: GeneDx Variant Classification Process June 2021. Collection method: clinical testing. Allele origin: germline. Affected: yes.
Comment: Not observed at significant frequency in large population cohorts (gnomAD); In silico analysis supports that this missense variant has a deleterious effect on protein structure/function; Has not been previously published as pathogenic or benign to our knowledge

NM_001099274.3(TINF2):c.1070T>G (p.Leu357Trp)

Gene: TINF2 (TERF1 interacting nuclear factor 2; minus strand). Cytogenetic location: 14q12.
Variant type: single nucleotide variant.
Coding change: c.1070T>G on transcript NM_001099274.3 (MANE Select); coding-DNA position 1070, T replaced by G.
Protein change: p.Leu357Trp; replaces leucine 357 with tryptophan.
Molecular consequence: missense variant. On other transcripts: 3 prime UTR variant (1).
Genome position (GRCh38, 1-based): chr14:24,240,322, A>C on the plus strand (T>G on the coding strand, the complement: TINF2 is on the minus strand). VCF-style: chr14-24240322-A-C. GRCh37 (hg19) VCF-style: chr14-24709528-A-C.
Other names: c.965T>G, p.Leu322Trp (NM_001363668.2); c.*93T>G (NM_012461.3); short protein forms L322W, L357W.
Identifiers: ClinVar variation 3776730 (VCV003776730.1).